The following is an entry in ClinVar:

NM_000369.5(TSHR):c.692+183T>C

Genes: TSHR-AS1 (TSHR antisense RNA 1; minus strand), TSHR (thyroid stimulating hormone receptor; plus strand). Cytogenetic location: 14q31.1.
Variant type: single nucleotide variant.
Coding change: c.692+183T>C on transcript NM_000369.5 (MANE Select); 183 bases into the intron after coding-DNA position 692, T replaced by C.
Molecular consequence: intron variant. On other transcripts: missense variant (2).
Genome position (GRCh38, 1-based): chr14:81,108,635, T>C. VCF-style: chr14-81108635-T-C. GRCh37 (hg19) VCF-style: chr14-81574979-T-C.
Other names: c.716T>C, p.Leu239Ser (NM_001018036.3); c.779T>C, p.Leu260Ser (NM_001142626.3); short protein forms L239S, L260S.
Identifiers: ClinVar variation 2682530 (VCV002682530.1), dbSNP rs1330781782, ClinGen allele CA390739384.
Genomic context (GRCh38, chr14:81,108,635, plus strand): 5'-AAGGCTTCTGCAAGTCCCTCTTTTCCTGGCTGTATAGGCTACCTCTTGGAAGAAAGTCCT[T>C]GTCCTTTGAGACTCAGAAGGCCCCACGCTCCAGTATGCCATCATGATGCCTGCTAAGGCA-3'

ClinVar aggregate classification (germline): Likely benign (1 of 4 stars; one submission).

gnomAD v4.1: 10 of 1,614,194 alleles (0.00062%); highest among the groups gnomAD compares: Middle Eastern, 0.016%; no homozygotes.

Submission:

Women's Health and Genetics/Laboratory Corporation of America, LabCorp
Classification: Likely benign. Last evaluated: 2023-11-15. Review status: criteria provided, single submitter. Criteria: LabCorp Variant Classification Summary - May 2015. Collection method: clinical testing. Allele origin: germline.
Comment: Variant summary: TSHR c.692+183T>C is located at a position not widely known to affect splicing. Two of three in-silico tools predict a damaging effect of the variant on protein function. Consensus agreement among computation tools predict no significant impact on normal splicing. However, these predictions have yet to be confirmed by functional studies. The variant was absent in 251094 control chromosomes. The available data on variant occurrences in the general population are insufficient to allow any conclusion about variant significance. To our knowledge, no occurrence of c.692+183T>C in individuals affected with Hypothyroidism Due To TSH Receptor Mutations and no experimental evidence demonstrating its impact on protein function have been reported. No submitters have cited clinical-significance assessments for this variant to ClinVar after 2014. Based on the evidence outlined above, the variant was classified as likely benign.